The following is an entry in ClinVar:

NM_015272.5(RPGRIP1L):c.3069A>G (p.Gln1023=)

Gene: RPGRIP1L (RPGRIP1 like; minus strand). Cytogenetic location: 16q12.2.
Variant type: single nucleotide variant.
Coding change: c.3069A>G on transcript NM_015272.5 (MANE Select); coding-DNA position 3069, A replaced by G.
Protein change: p.Gln1023=; no amino-acid change (glutamine 1023 retained).
Molecular consequence: synonymous variant.
Genome position (GRCh38, 1-based): chr16:53,637,846, T>C on the plus strand (A>G on the coding strand, the complement: RPGRIP1L is on the minus strand). VCF-style: chr16-53637846-T-C. GRCh37 (hg19) VCF-style: chr16-53671758-T-C.
Other names: c.3069A>G (NM_015272.4); c.2967A>G, p.Gln989= (NM_001127897.4, NM_001330538.2); c.3069A>G, p.Gln1023= (NM_001308334.3).
Identifiers: ClinVar variation 2012396 (VCV002012396.5), dbSNP rs2543991829, ClinGen allele CA495538784.

ClinVar aggregate classification (germline): Likely benign. Review status: criteria provided, multiple submitters, no conflicts (2 of 4 stars). 2 submissions from 2 submitters: Likely benign (2). Last evaluated 2026-04-17.

Conditions:
RPGRIP1L-related disorder. Also called: RPGRIP1L-related disorders; RPGRIP1L-related condition. Identifiers: MedGen CN239416.
Meckel-Gruber syndrome. Also called: DYSENCEPHALIA SPLANCHNOCYSTICA; GRUBER SYNDROME; Dysencephalia splachnocystica. Identifiers: Orphanet 564, MedGen C0265215, MONDO:0018921.
Joubert syndrome. Also called: Familial aplasia of the vermis; JOUBERT-BOLTSHAUSER SYNDROME. Identifiers: Orphanet 475, MedGen C5979921, MONDO:0018772.

Allele frequency attached by ClinVar (database versions not stated): gnomAD exomes below 0.00001.
gnomAD v4.1: 1 of 1,612,834 alleles (0.000062%); highest among the groups gnomAD compares: African/African-American, 0.0013%; no homozygotes.

Submissions (2):

PreventionGenetics, part of Exact Sciences
Classification: Likely benign for RPGRIP1L-related condition. Last evaluated: 2026-04-17. Review status: criteria provided, single submitter. Criteria: ACMG Guidelines, 2015. Collection method: clinical testing. Allele origin: germline.
Comment: This variant is classified as likely benign based on ACMG/AMP sequence variant interpretation guidelines (Richards et al. 2015 PMID: 25741868, with internal and published modifications).

Labcorp Genetics (formerly Invitae), Labcorp
Classification: Likely benign for Joubert syndrome; Meckel-Gruber syndrome. Last evaluated: 2022-06-30. Review status: criteria provided, single submitter. Criteria: Invitae Variant Classification Sherloc (09022015). Collection method: clinical testing. Allele origin: germline.